The following is an entry in ClinVar:

ClinVar aggregate classification (germline): Uncertain significance (1 of 4 stars; one submission).

gnomAD v4.1: 11 of 1,614,168 alleles (0.00068%); highest among the groups gnomAD compares: South Asian, 0.011%; no homozygotes.

Submission:

Labcorp Genetics (formerly Invitae), Labcorp
Classification: Uncertain significance. Last evaluated: 2023-08-11. Review status: criteria provided, single submitter. Criteria: Invitae Variant Classification Sherloc (09022015). Collection method: clinical testing. Allele origin: germline.
Comment: In summary, the available evidence is currently insufficient to determine the role of this variant in disease. Therefore, it has been classified as a Variant of Uncertain Significance. Algorithms developed to predict the effect of missense changes on protein structure and function output the following: SIFT: "Not Available"; PolyPhen-2: "Not Available"; Align-GVGD: "Not Available". The glutamine amino acid residue is found in multiple mammalian species, which suggests that this missense change does not adversely affect protein function. ClinVar contains an entry for this variant (Variation ID: 2036939). This variant has not been reported in the literature in individuals affected with POLD2-related conditions. This variant is present in population databases (rs546429678, gnomAD 0.01%). This sequence change replaces proline, which is neutral and non-polar, with glutamine, which is neutral and polar, at codon 137 of the POLD2 protein (p.Pro137Gln).

NM_006230.4(POLD2):c.305C>A (p.Pro102Gln)

Gene: POLD2 (DNA polymerase delta 2, accessory subunit; minus strand). Cytogenetic location: 7p13.
Variant type: single nucleotide variant.
Coding change: c.305C>A on transcript NM_006230.4 (MANE Select); coding-DNA position 305, C replaced by A.
Protein change: p.Pro102Gln; replaces proline 102 with glutamine.
Molecular consequence: missense variant.
Genome position (GRCh38, 1-based): chr7:44,117,980, G>T on the plus strand (C>A on the coding strand, the complement: POLD2 is on the minus strand). VCF-style: chr7-44117980-G-T. GRCh37 (hg19) VCF-style: chr7-44157579-G-T.
Other names: c.305C>A, p.Pro102Gln (NM_001127218.3, NM_001256879.2); short protein forms P102Q.
Identifiers: ClinVar variation 2036939 (VCV002036939.4), dbSNP rs546429678, ClinGen allele CA4238912.